The following is an entry in ClinVar:

ClinVar aggregate classification (germline): Uncertain significance (1 of 4 stars; one submission).

gnomAD v4.1: 57 of 1,614,102 alleles (0.0035%); highest among the groups gnomAD compares: Non-Finnish European, 0.0044%; no homozygotes.

Submission:

Labcorp Genetics (formerly Invitae), Labcorp
Classification: Uncertain significance. Last evaluated: 2026-01-26. Review status: criteria provided, single submitter. Criteria: Invitae Variant Classification Sherloc (09022015). Collection method: clinical testing. Allele origin: germline.
Comment: This sequence change replaces lysine, which is basic and polar, with arginine, which is basic and polar, at codon 193 of the SCARB1 protein (p.Lys193Arg). This variant is present in population databases (rs753289800, gnomAD 0.007%). This variant has not been reported in the literature in individuals affected with SCARB1-related conditions. Invitae Evidence Modeling of protein sequence and biophysical properties (such as structural, functional, and spatial information, amino acid conservation, physicochemical variation, residue mobility, and thermodynamic stability) indicates that this missense variant is not expected to disrupt SCARB1 protein function with a negative predictive value of 80%. Algorithms developed to predict the effect of sequence changes on RNA splicing suggest that this variant may create or strengthen a splice site. In summary, the available evidence is currently insufficient to determine the role of this variant in disease. Therefore, it has been classified as a Variant of Uncertain Significance.

NM_005505.5(SCARB1):c.578A>G (p.Lys193Arg)

Gene: SCARB1 (scavenger receptor class B member 1; minus strand). Cytogenetic location: 12q24.31.
Variant type: single nucleotide variant.
Coding change: c.578A>G on transcript NM_005505.5 (MANE Select); coding-DNA position 578, A replaced by G.
Protein change: p.Lys193Arg; replaces lysine 193 with arginine.
Molecular consequence: missense variant. On other transcripts: non-coding transcript variant (9).
Genome position (GRCh38, 1-based): chr12:124,814,254, T>C on the plus strand (A>G on the coding strand, the complement: SCARB1 is on the minus strand). VCF-style: chr12-124814254-T-C. GRCh37 (hg19) VCF-style: chr12-125298800-T-C.
Other names: c.578A>G, p.Lys193Arg (NM_001082959.2, NM_001367981.1, NM_001367983.1 and 6 more transcripts); c.455A>G, p.Lys152Arg (NM_001367982.1); short protein forms K152R, K193R.
Identifiers: ClinVar variation 4739500 (VCV004739500.1).